The following is an entry in ClinVar:

ClinVar aggregate classification (germline): Benign. Review status: criteria provided, multiple submitters, no conflicts (2 of 4 stars). 3 submissions from 3 submitters: Benign (3). Last evaluated 2025-01-16.

Conditions:
ZMYM2-related disorder. Also called: ZMYM2-related condition.

Allele frequency attached by ClinVar (database versions not stated): gnomAD exomes 0.00078 and 0.00217; ExAC 0.00295; ESP Exome Variant Server 0.00639; gnomAD 0.00779 and 0.00830; 1000 Genomes Project 0.00839; 1000 Genomes Project 30x 0.00843; TOPMed 0.00895.
gnomAD v4.1: 2,365 of 1,591,090 alleles (0.15%); highest among the groups gnomAD compares: African/African-American, 2.7%; 30 homozygotes.

Submissions (3):

PreventionGenetics, part of Exact Sciences
Classification: Benign for ZMYM2-related condition. Last evaluated: 2025-01-16. Review status: criteria provided, single submitter. Criteria: ACMG Guidelines, 2015. Collection method: clinical testing. Allele origin: germline.
Comment: This variant is classified as benign based on ACMG/AMP sequence variant interpretation guidelines (Richards et al. 2015 PMID: 25741868, with internal and published modifications).

Labcorp Genetics (formerly Invitae), Labcorp
Classification: Benign. Last evaluated: 2019-12-31. Review status: criteria provided, single submitter. Criteria: Invitae Variant Classification Sherloc (09022015). Collection method: clinical testing. Allele origin: germline.

Breakthrough Genomics
Classification: Benign. Review status: criteria provided, single submitter. Criteria: ACMG Guidelines, 2015. Collection method: not provided. Allele origin: germline. Inheritance: Autosomal dominant inheritance. Affected: yes.

NM_197968.4(ZMYM2):c.1593A>G (p.Gly531=)

Gene: ZMYM2 (zinc finger MYM-type containing 2; plus strand). Cytogenetic location: 13q12.11.
Variant type: single nucleotide variant.
Coding change: c.1593A>G on transcript NM_197968.4 (MANE Select); coding-DNA position 1593, A replaced by G.
Protein change: p.Gly531=; no amino-acid change (glycine 531 retained).
Molecular consequence: synonymous variant. On other transcripts: non-coding transcript variant (1).
Genome position (GRCh38, 1-based): chr13:20,026,620, A>G. VCF-style: chr13-20026620-A-G. GRCh37 (hg19) VCF-style: chr13-20600760-A-G.
Other names: c.1593A>G (NM_197968.3); c.1593A>G, p.Gly531= (NM_001190964.4, NM_001190965.4, NM_001353157.2 and 5 more transcripts); c.1398A>G, p.Gly466= (NM_001353161.3); c.1332A>G, p.Gly444= (NM_001353163.2).
Identifiers: ClinVar variation 783676 (VCV000783676.6), dbSNP rs34660436, ClinGen allele CA6903393.